The following is an entry in ClinVar:

ClinVar aggregate classification (germline): Benign/Likely benign. Review status: criteria provided, multiple submitters, no conflicts (2 of 4 stars). 8 submissions from 8 submitters: Benign (3); Likely benign (2). 3 of the submissions do not count toward it. Last evaluated 2026-02-01.

Conditions:
C1GALT1C1-related disorder. Also called: C1GALT1C1-related condition.
Hemolytic uremic syndrome, atypical, 8, with rhizomelic short stature (AHUS8). Identifiers: MedGen C5829585, MONDO:0957495, OMIM 301110.
Polyagglutinable erythrocyte syndrome (TNPS). Also called: TN POLYAGGLUTINATION SYNDROME; TN POLYAGGLUTINATION SYNDROME, SOMATIC; GALACTOSYLTRANSFERASE DEFICIENCY. Identifiers: MedGen C0272137, MONDO:0010381, OMIM 300622.

Allele frequency attached by ClinVar (database versions not stated): gnomAD 0.15825 and 0.16287; gnomAD exomes 0.22388 and 0.19940; 1000 Genomes Project 30x 0.14880; TOPMed 0.15033; ExAC 0.19750; 1000 Genomes Project 0.14755.
gnomAD v4.1: 263,312 of 1,207,804 alleles (22%); highest among the groups gnomAD compares: South Asian, 29%; 20,280 homozygotes.

Submissions (8):

Labcorp Genetics (formerly Invitae), Labcorp
Classification: Benign for Polyagglutinable erythrocyte syndrome. Last evaluated: 2026-02-01. Review status: criteria provided, single submitter. Criteria: Invitae Variant Classification Sherloc (09022015). Collection method: clinical testing. Allele origin: germline.

Department of Pathology and Laboratory Medicine, Sinai Health System
Classification: Likely benign for hemolytic uremic syndrome, atypical, 8, with rhizomelic short stature. Last evaluated: 2023-04-24. Review status: criteria provided, single submitter. Criteria: ACMG Guidelines, 2015. Collection method: research. Allele origin: germline.

Fulgent Genetics
Classification: Likely benign for Polyagglutinable erythrocyte syndrome. Last evaluated: 2021-12-10. Review status: criteria provided, single submitter. Criteria: ACMG Guidelines, 2015. Collection method: clinical testing. Allele origin: unknown.

Mayo Clinic Laboratories, Mayo Clinic
Classification: Benign. Last evaluated: 2019-01-02. Review status: criteria provided, single submitter. Criteria: ACMG Guidelines, 2015. Collection method: clinical testing. Allele origin: germline. Observed: 14 variant alleles.

Breakthrough Genomics
Classification: Benign. Review status: criteria provided, single submitter. Criteria: ACMG Guidelines, 2015. Collection method: not provided. Allele origin: germline. Inheritance: Unknown mechanism. Affected: yes.

PreventionGenetics, part of Exact Sciences
Classification: Benign for C1GALT1C1-related condition. Last evaluated: 2019-10-22. Review status: no assertion criteria provided. Collection method: clinical testing. Allele origin: germline. Not counted in ClinVar's aggregate classification.
Comment: This variant is classified as benign based on ACMG/AMP sequence variant interpretation guidelines (Richards et al. 2015 PMID: 25741868, with internal and published modifications).

Genomic Medicine Center of Excellence, King Faisal Specialist Hospital and Research Centre
Classification: Pathogenic for Polyagglutinable erythrocyte syndrome. Last evaluated: 2025-07-30. Review status: flagged submission. Criteria: ACMG Guidelines, 2015. Collection method: clinical testing. Allele origin: germline. Not counted in ClinVar's aggregate classification.
ClinVar note: Reason: Outlier claim with insufficient supporting evidence

OMIM
Classification: Pathogenic for TN POLYAGGLUTINATION SYNDROME, SOMATIC. Last evaluated: 2005-10-27. Review status: flagged submission. Collection method: literature only. Allele origin: somatic. Not counted in ClinVar's aggregate classification.
ClinVar note: Reason: Older and outlier claim with insufficient supporting evidence

Literature cited by the submitters: PubMed 16251947 (cited by OMIM).

NM_001011551.3(C1GALT1C1):c.393T>A (p.Asp131Glu)

Gene: C1GALT1C1 (C1GALT1 specific chaperone 1; minus strand). Cytogenetic location: Xq24.
Variant type: single nucleotide variant.
Coding change: c.393T>A on transcript NM_001011551.3 (MANE Select); coding-DNA position 393, T replaced by A.
Protein change: p.Asp131Glu; replaces aspartic acid 131 with glutamic acid.
Molecular consequence: missense variant.
Genome position (GRCh38, 1-based): chrX:120,626,774, A>T on the plus strand (T>A on the coding strand, the complement: C1GALT1C1 is on the minus strand). VCF-style: chrX-120626774-A-T. GRCh37 (hg19) VCF-style: chrX-119760629-A-T.
Other names: C1GALT1C1, ASP131GLU; c.393T>A (NM_001011551.2, NM_152692.4); c.393T>A, p.Asp131Glu (NM_152692.5); short protein forms D131E.
Identifiers: ClinVar variation 10792 (VCV000010792.17), dbSNP rs17261572, ClinGen allele CA121173.